The following is an entry in ClinVar:

ClinVar aggregate classification (germline): Benign (1 of 4 stars; one submission).

Allele frequency attached by ClinVar (database versions not stated): 1000 Genomes Project 30x 0.85306; 1000 Genomes Project 0.85683; TOPMed 0.87774; ESP Exome Variant Server 0.89205; ExAC 0.91079.
gnomAD v4.1: 1,428,005 of 1,544,228 alleles (92%); highest among the groups gnomAD compares: Non-Finnish European, 94%; 661,853 homozygotes.

Submission:

Unidad de Genómica Garrahan, Hospital de Pediatría Garrahan
Classification: Benign. Last evaluated: 2024-01-24. Review status: criteria provided, single submitter. Criteria: ACMG Guidelines, 2015. Collection method: clinical testing. Allele origin: germline. Affected: no. Observed: 94 variant alleles.
Comment: This variant is classified as Benign based on local population frequency. This variant was detected in 99% of patients studied by a panel of primary immunodeficiencies. Number of patients: 94. Only high quality variants are reported.

NM_015122.3(FCHO1):c.1829-43A>G

Gene: FCHO1 (FCH and mu domain containing endocytic adaptor 1; plus strand). Cytogenetic location: 19p13.11.
Variant type: single nucleotide variant.
Coding change: c.1829-43A>G on transcript NM_015122.3 (MANE Select); 43 bases into the intron before coding-DNA position 1829, A replaced by G.
Molecular consequence: intron variant.
Genome position (GRCh38, 1-based): chr19:17,781,669, A>G. VCF-style: chr19-17781669-A-G. GRCh37 (hg19) VCF-style: chr19-17892478-A-G.
Other names: c.1829-43A>G (NM_001384370.1, NM_001384376.1, NM_001384375.1 and 13 more transcripts); c.1553-43A>G (NM_001384396.1, NM_001384404.1, NM_001384398.1 and 5 more transcripts); c.1754-43A>G (NM_001384390.1); c.1403-43A>G (NM_001384406.1); c.1259-43A>G (NM_001384407.1); c.1712-43A>G (NM_001384393.1, NM_001384394.1, NM_001384392.1 and 1 more transcripts); c.1508-43A>G (NM_001384403.1); c.1790-43A>G (NM_001384388.1, NM_001384405.1, NM_001384389.1); and 1 more.
Identifiers: ClinVar variation 2688167 (VCV002688167.2), dbSNP rs2042299, ClinGen allele CA9300654.